The following is an entry in ClinVar:

ClinVar aggregate classification (germline): Conflicting classifications of pathogenicity. Review status: criteria provided, conflicting classifications (1 of 4 stars). 2 submissions from 2 submitters: Uncertain significance (1); Likely benign (1). Last evaluated 2018-06-14.

Conditions:
Cardiomyopathy (CMYO). Also called: Cardiomyopathies. Identifiers: Orphanet 167848, MedGen C0878544, MONDO:0004994, HP:0001638. Inheritance: Various modes of inheritance.

Allele frequency attached by ClinVar (database versions not stated): ExAC 0.00001; gnomAD exomes 0.00001 and 0.00002.
gnomAD v4.1: 23 of 1,612,780 alleles (0.0014%); highest among the groups gnomAD compares: Admixed American, 0.005%; no homozygotes.

Submissions (2):

GeneDx
Classification: Likely benign. Last evaluated: 2018-06-14. Review status: criteria provided, single submitter. Criteria: GeneDx Variant Classification (06012015). Collection method: clinical testing. Allele origin: germline. Affected: yes.
Comment: This variant is considered likely benign or benign based on one or more of the following criteria: it is a conservative change, it occurs at a poorly conserved position in the protein, it is predicted to be benign by multiple in silico algorithms, and/or has population frequency not consistent with disease.

CHEO Genetics Diagnostic Laboratory, Children's Hospital of Eastern Ontario
Classification: Uncertain significance for Cardiomyopathy. Last evaluated: 2017-03-08. Review status: criteria provided, single submitter. Criteria: ACMG Guidelines, 2015. Collection method: clinical testing. Allele origin: germline. Study: Canadian Open Genetics Repository.

NM_001267550.2(TTN):c.68996C>T (p.Thr22999Ile)

Genes: TTN-AS1 (TTN antisense RNA 1; plus strand), TTN (titin; minus strand). Cytogenetic location: 2q31.2.
Variant type: single nucleotide variant.
Coding change: c.68996C>T on transcript NM_001267550.2 (MANE Select); coding-DNA position 68996, C replaced by T.
Protein change: p.Thr22999Ile; replaces threonine 22999 with isoleucine.
Molecular consequence: missense variant.
Genome position (GRCh38, 1-based): chr2:178,577,339, G>A on the plus strand (C>T on the coding strand, the complement: TTN is on the minus strand). VCF-style: chr2-178577339-G-A. GRCh37 (hg19) VCF-style: chr2-179442066-G-A.
Other names: c.64073C>T, p.Thr21358Ile (NM_001256850.1); c.41801C>T, p.Thr13934Ile (NM_003319.4); c.61292C>T, p.Thr20431Ile (NM_133378.4); c.42176C>T, p.Thr14059Ile (NM_133432.3); c.42377C>T, p.Thr14126Ile (NM_133437.4); short protein forms T21358I, T22999I, T20431I, T13934I, T14059I, T14126I.
Identifiers: ClinVar variation 626664 (VCV000626664.3), dbSNP rs755306597, ClinGen allele CA1991007.